The following is an entry in ClinVar:

NM_000548.5(TSC2):c.1360A>T (p.Arg454Trp)

Gene: TSC2 (TSC complex subunit 2; plus strand). Cytogenetic location: 16p13.3.
Variant type: single nucleotide variant.
Coding change: c.1360A>T on transcript NM_000548.5 (MANE Select); coding-DNA position 1360, A replaced by T.
Protein change: p.Arg454Trp; replaces arginine 454 with tryptophan.
Molecular consequence: missense variant.
Genome position (GRCh38, 1-based): chr16:2,062,599, A>T. VCF-style: chr16-2062599-A-T. GRCh37 (hg19) VCF-style: chr16-2112600-A-T.
Other names: c.1360A>T, p.Arg454Trp (NM_001077183.3, NM_001114382.3, NM_001363528.2 and 6 more transcripts); c.1249A>T, p.Arg417Trp (NM_001318827.2, NM_001406670.1, NM_001406678.1); c.1213A>T, p.Arg405Trp (NM_001318829.2, NM_001406675.1, NM_001406676.1 and 1 more transcripts); c.760A>T, p.Arg254Trp (NM_001318831.2, NM_001406680.1, NM_001406682.1 and 6 more transcripts); c.1393A>T, p.Arg465Trp (NM_001318832.2); c.1450A>T, p.Arg484Trp (NM_001406667.1, NM_001406668.1); c.1348A>T, p.Arg450Trp (NM_001406671.1, NM_001406673.1); c.1303A>T, p.Arg435Trp (NM_001406677.1); and 3 more; short protein forms R405W, R450W, R6W, R254W, R300W, R417W, R465W, R435W.
Identifiers: ClinVar variation 1770827 (VCV001770827.2), dbSNP rs2086780236, ClinGen allele CA394323402.
Genomic context (GRCh38, chr16:2,062,599, plus strand): 5'-ATCCACCCGGCCAAGGACGGCTGGATTCAGAACCTGCAGGCGCTGATGGAGAGATTCTTC[A>T]GGTAGGGGGTCCTCTGTAGCCTTGCCTGGCACCTGGAGCCTGGCCCTGTCTCTGTCTGGG-3'
Protein context (NP_000539.2, residues 444-464): NLQALMERFF[Arg454Trp]SESRGAVRIK

ClinVar aggregate classification (germline): Uncertain significance (1 of 4 stars; one submission).

Conditions:
Hereditary cancer-predisposing syndrome. Also called: Hereditary Cancer Syndrome; Hereditary neoplastic syndrome; Neoplastic Syndromes, Hereditary; Tumor predisposition. Identifiers: Orphanet 140162, MedGen C0027672, MeSH D009386, MONDO:0015356.

Submission:

Ambry Genetics
Classification: Uncertain significance for Hereditary cancer-predisposing syndrome. Last evaluated: 2022-08-02. Review status: criteria provided, single submitter. Criteria: Ambry Variant Classification Scheme 2023. Collection method: clinical testing. Allele origin: germline.
Comment: The p.R454W variant (also known as c.1360A>T), located in coding exon 12 of the TSC2 gene, results from an A to T substitution at nucleotide position 1360. The arginine at codon 454 is replaced by tryptophan, an amino acid with dissimilar properties. This amino acid position is highly conserved in available vertebrate species. In addition, this alteration is predicted to be deleterious by in silico analysis. Since supporting evidence is limited at this time, the clinical significance of this alteration remains unclear.